The following is an entry in ClinVar:

ClinVar aggregate classification (germline): Uncertain significance (1 of 4 stars; one submission).

Conditions:
CEP164-related disorder. Also called: CEP164-related condition.

gnomAD v4.1: 1 of 1,610,370 alleles (0.000062%); highest among the groups gnomAD compares: Non-Finnish European, 0.000085%; no homozygotes.

Submission:

PreventionGenetics, part of Exact Sciences
Classification: Uncertain significance for CEP164-related condition. Last evaluated: 2026-03-20. Review status: criteria provided, single submitter. Criteria: ACMG Guidelines, 2015. Collection method: clinical testing. Allele origin: germline.
Comment: The CEP164 c.190C>A variant is predicted to result in the amino acid substitution p.Pro64Thr. To our knowledge, this variant has not been reported in the literature. This variant is reported in 0.00090% of alleles in individuals of European (Non-Finnish) descent in gnomAD. At this time, the clinical significance of this variant is uncertain due to the absence of conclusive functional and genetic evidence.

NM_014956.5(CEP164):c.190C>A (p.Pro64Thr)

Gene: CEP164 (centrosomal protein 164; plus strand). Cytogenetic location: 11q23.3.
Variant type: single nucleotide variant.
Coding change: c.190C>A on transcript NM_014956.5 (MANE Select); coding-DNA position 190, C replaced by A.
Protein change: p.Pro64Thr; replaces proline 64 with threonine.
Molecular consequence: missense variant.
Genome position (GRCh38, 1-based): chr11:117,344,273, C>A. VCF-style: chr11-117344273-C-A. GRCh37 (hg19) VCF-style: chr11-117214989-C-A.
Other names: c.190C>A, p.Pro64Thr (NM_001271933.2, NM_001440949.1, NM_001440950.1 and 36 more transcripts); c.52C>A, p.Pro18Thr (NM_001440960.1); short protein forms P64T, P18T.
Identifiers: ClinVar variation 4993795 (VCV004993795.1).